The following is an entry in ClinVar:

ClinVar aggregate classification (germline): Uncertain significance (1 of 4 stars; one submission).

Conditions:
Joubert syndrome. Also called: JOUBERT-BOLTSHAUSER SYNDROME; Familial aplasia of the vermis. Identifiers: Orphanet 475, MedGen C5979921, MONDO:0018772.
Meckel-Gruber syndrome. Also called: Dysencephalia splachnocystica; DYSENCEPHALIA SPLANCHNOCYSTICA; GRUBER SYNDROME. Identifiers: Orphanet 564, MedGen C0265215, MONDO:0018921.

Allele frequency attached by ClinVar (database versions not stated): TOPMed 0.00001.
gnomAD v4.1: 1 of 1,613,348 alleles (0.000062%); highest among the groups gnomAD compares: African/African-American, 0.0013%; no homozygotes.

Submission:

Labcorp Genetics (formerly Invitae), Labcorp
Classification: Uncertain significance for Joubert syndrome; Meckel-Gruber syndrome. Last evaluated: 2020-07-12. Review status: criteria provided, single submitter. Criteria: Invitae Variant Classification Sherloc (09022015). Collection method: clinical testing. Allele origin: germline.
Comment: This sequence change replaces proline with arginine at codon 364 of the CC2D2A protein (p.Pro364Arg). The proline residue is highly conserved and there is a moderate physicochemical difference between proline and arginine. This variant is not present in population databases (ExAC no frequency). In summary, the available evidence is currently insufficient to determine the role of this variant in disease. Therefore, it has been classified as a Variant of Uncertain Significance. Algorithms developed to predict the effect of missense changes on protein structure and function output the following: SIFT: "Tolerated"; PolyPhen-2: "Benign"; Align-GVGD: "Class C0". The arginine amino acid residue is found in multiple mammalian species, suggesting that this missense change does not adversely affect protein function. These predictions have not been confirmed by published functional studies and their clinical significance is uncertain. This variant has not been reported in the literature in individuals with CC2D2A-related conditions.

NM_001378615.1(CC2D2A):c.1091C>G (p.Pro364Arg)

Genes: CC2D2A (coiled-coil and C2 domain containing 2A; plus strand), FBXL5 (F-box and leucine rich repeat protein 5; minus strand). Cytogenetic location: 4p15.32.
Variant type: single nucleotide variant.
Coding change: c.1091C>G on transcript NM_001378615.1 (MANE Select); coding-DNA position 1091, C replaced by G.
Protein change: p.Pro364Arg; replaces proline 364 with arginine.
Molecular consequence: missense variant.
Genome position (GRCh38, 1-based): chr4:15,516,698, C>G. VCF-style: chr4-15516698-C-G. GRCh37 (hg19) VCF-style: chr4-15518321-C-G.
Other names: c.1091C>G, p.Pro364Arg (NM_001080522.2); c.944C>G, p.Pro315Arg (NM_001378617.1); short protein forms P315R, P364R.
Identifiers: ClinVar variation 1019928 (VCV001019928.9), dbSNP rs768618373, ClinGen allele CA356409965.